The following is an entry in ClinVar:

NM_001385012.1(NBEA):c.3181G>A (p.Ala1061Thr)

Gene: NBEA (neurobeachin; plus strand). Cytogenetic location: 13q13.3.
Variant type: single nucleotide variant.
Coding change: c.3181G>A on transcript NM_001385012.1 (MANE Select); coding-DNA position 3181, G replaced by A.
Protein change: p.Ala1061Thr; replaces alanine 1061 with threonine.
Molecular consequence: missense variant.
Genome position (GRCh38, 1-based): chr13:35,159,352, G>A. VCF-style: chr13-35159352-G-A. GRCh37 (hg19) VCF-style: chr13-35733489-G-A.
Other names: c.3181G>A, p.Ala1061Thr (NM_001379245.1, NM_015678.5); short protein forms A1061T.
Identifiers: ClinVar variation 4082824 (VCV004082824.1).
Genomic context (GRCh38, chr13:35,159,352, plus strand): 5'-TCAGATAGACCAGGAAGTGGTGTACATGTGGAAGTACATGATCTTTTAGTAGATATAAAA[G>A]CAGAGAAAGTGGAAGCAACAGAAGTAAAGCTCGATGATATGGATTTATCACCGGAGACTT-3'
Protein context (NP_001371941.1, residues 1051-1071): EVHDLLVDIK[Ala1061Thr]EKVEATEVKL

ClinVar aggregate classification (germline): Uncertain significance (1 of 4 stars; one submission).

gnomAD v4.1: 1 of 1,613,492 alleles (0.000062%); highest among the groups gnomAD compares: Non-Finnish European, 0.000085%; no homozygotes.

Submission:

GeneDx
Classification: Uncertain significance. Last evaluated: 2025-03-13. Review status: criteria provided, single submitter. Criteria: GeneDx Variant Classification Process June 2021. Collection method: clinical testing. Allele origin: germline. Affected: yes.
Comment: Not observed at significant frequency in large population cohorts (gnomAD); In silico analysis indicates that this missense variant does not alter protein structure/function; Has not been previously published as pathogenic or benign to our knowledge